The following is an entry in ClinVar:

ClinVar aggregate classification (germline): Benign/Likely benign. Review status: criteria provided, multiple submitters, no conflicts (2 of 4 stars). 5 submissions from 5 submitters: Benign (2); Likely benign (2). 1 of the submissions does not count toward it. Last evaluated 2026-02-02.

Conditions:
ABCA12-related disorder. Also called: ABCA12-related condition.
Congenital ichthyosis of skin. Identifiers: MedGen C0020758.

Allele frequency attached by ClinVar (database versions not stated): 1000 Genomes Project 0.00200; 1000 Genomes Project 30x 0.00203; gnomAD exomes 0.00558 and 0.00904; ExAC 0.00559; gnomAD 0.00605 and 0.00655; TOPMed 0.00694; ESP Exome Variant Server 0.00761.
gnomAD v4.1: 14,120 of 1,614,060 alleles (0.87%); highest among the groups gnomAD compares: Non-Finnish European, 1.1%; 94 homozygotes.

Submissions (5):

Labcorp Genetics (formerly Invitae), Labcorp
Classification: Benign. Last evaluated: 2026-02-02. Review status: criteria provided, single submitter. Criteria: Invitae Variant Classification Sherloc (09022015). Collection method: clinical testing. Allele origin: germline.

CeGaT Center for Human Genetics Tuebingen
Classification: Benign. Last evaluated: 2025-03-01. Review status: criteria provided, single submitter. Criteria: CeGaT Center For Human Genetics Tuebingen Variant Classification Criteria Version 2. Collection method: clinical testing. Allele origin: germline. Affected: yes. Observed: 1 variant allele.
Comment: ABCA12: BP4, BP7, BS1, BS2

Illumina Laboratory Services, Illumina
Classification: Likely benign for Congenital ichthyosis of skin. Last evaluated: 2018-01-12. Review status: criteria provided, single submitter. Criteria: ICSL Variant Classification Criteria 13 December 2019. Collection method: clinical testing. Allele origin: germline.
Comment: This variant was observed in the ICSL laboratory as part of a predisposition screen in an ostensibly healthy population. It had not been previously curated by ICSL or reported in the Human Gene Mutation Database (HGMD: prior to June 1st, 2018), and was therefore a candidate for classification through an automated scoring system. Utilizing variant allele frequency, disease prevalence and penetrance estimates, and inheritance mode, an automated score was calculated to assess if this variant is too frequent to cause the disease. Based on the score and internal cut-off values, a variant classified as likely benign is not then subjected to further curation. The score for this variant resulted in a classification of likely benign for this disease.

Breakthrough Genomics
Classification: Likely benign. Review status: criteria provided, single submitter. Criteria: ACMG Guidelines, 2015. Collection method: not provided. Allele origin: germline. Inheritance: Autosomal recessive inheritance. Affected: yes.

PreventionGenetics, part of Exact Sciences
Classification: Benign for ABCA12-related condition. Last evaluated: 2020-03-30. Review status: no assertion criteria provided. Collection method: clinical testing. Allele origin: germline. Not counted in ClinVar's aggregate classification.
Comment: This variant is classified as benign based on ACMG/AMP sequence variant interpretation guidelines (Richards et al. 2015 PMID: 25741868, with internal and published modifications).

NM_173076.3(ABCA12):c.6501C>T (p.Asp2167=)

Genes: ABCA12 (ATP binding cassette subfamily A member 12; minus strand), SNHG31 (small nucleolar RNA host gene 31; plus strand). Cytogenetic location: 2q35.
Variant type: single nucleotide variant.
Coding change: c.6501C>T on transcript NM_173076.3 (MANE Select); coding-DNA position 6501, C replaced by T.
Protein change: p.Asp2167=; no amino-acid change (aspartic acid 2167 retained).
Molecular consequence: synonymous variant. On other transcripts: non-coding transcript variant (1).
Genome position (GRCh38, 1-based): chr2:214,954,000, G>A on the plus strand (C>T on the coding strand, the complement: ABCA12 is on the minus strand). VCF-style: chr2-214954000-G-A. GRCh37 (hg19) VCF-style: chr2-215818724-G-A.
Other names: c.5547C>T, p.Asp1849= (NM_015657.4).
Identifiers: ClinVar variation 775062 (VCV000775062.23), dbSNP rs143387234, ClinGen allele CA2090891.